The following is an entry in ClinVar:

NM_182700.6(SP8):c.96G>A (p.Pro32=)

Gene: SP8 (Sp8 transcription factor; minus strand). Cytogenetic location: 7p21.1.
Variant type: single nucleotide variant.
Coding change: c.96G>A on transcript NM_182700.6 (MANE Select); coding-DNA position 96, G replaced by A.
Protein change: p.Pro32=; no amino-acid change (proline 32 retained).
Molecular consequence: synonymous variant.
Genome position (GRCh38, 1-based): chr7:20,785,721, C>T on the plus strand (G>A on the coding strand, the complement: SP8 is on the minus strand). VCF-style: chr7-20785721-C-T. GRCh37 (hg19) VCF-style: chr7-20825340-C-T.
Other names: c.42G>A, p.Pro14= (NM_198956.4).
Identifiers: ClinVar variation 3061737 (VCV003061737.2), dbSNP rs1352277590, ClinGen allele CA454137372.
Genomic context (GRCh38, chr7:20,785,721, plus strand): 5'-TTTCCAGGGGTGGAAGCCTTTGCCGAAGGAAGAAGAGCTGTCCGAGAGGGAGGAGGGAGA[C>T]GGGCTGGGGCTGCCTATCTTATTACAGGTAGCGGCAAGCATGGCCAGAGGAGTCGATCCC-3'
Protein context (NP_874359.2, residues 22-42): ATCNKIGSPS[Pro32=]SPSSLSDSSS

ClinVar aggregate classification (germline): Likely benign (0 of 4 stars; one submission).

Conditions:
SP8-related disorder. Also called: SP8-related condition.

Allele frequency attached by ClinVar (database versions not stated): gnomAD 0.00001.
gnomAD v4.1: 30 of 1,612,234 alleles (0.0019%); highest among the groups gnomAD compares: Non-Finnish European, 0.0024%; no homozygotes.

Submission:

PreventionGenetics, part of Exact Sciences
Classification: Likely benign for SP8-related condition. Last evaluated: 2023-04-17. Review status: no assertion criteria provided. Collection method: clinical testing. Allele origin: germline.
Comment: This variant is classified as likely benign based on ACMG/AMP sequence variant interpretation guidelines (Richards et al. 2015 PMID: 25741868, with internal and published modifications).